The following is an entry in ClinVar:

ClinVar aggregate classification (germline): Pathogenic. Review status: criteria provided, multiple submitters, no conflicts (2 of 4 stars). 3 submissions from 3 submitters: Pathogenic (3). Last evaluated 2026-09-08.

Conditions:
Cardiovascular phenotype. Identifiers: MedGen CN230736.
Fabry disease. Also called: Fabry's disease; Angiokeratoma corporis diffusum; CERAMIDE TRIHEXOSIDASE DEFICIENCY; GLA DEFICIENCY; HEREDITARY DYSTOPIC LIPIDOSIS; ALPHA-GALACTOSIDASE A DEFICIENCY. Identifiers: Orphanet 324, MedGen C0002986, MONDO:0010526, OMIM 301500, HP:0001071. Disease mechanism: loss of function, Fabry disease is due to inactivating mutations in the X-linked GLA gene resulting in deficiency of the enzyme Alpha Galactosidase-A..

Submissions (3):

Genomenon, Inc
Classification: Pathogenic for Fabry disease. Last evaluated: 2026-09-08. Review status: criteria provided, single submitter. Criteria: Genomenon Sequence Variant Interpretation Standards - Updated. Collection method: curation. Allele origin: germline. Affected: yes.
Comment: GLA p.Gln99Ter (c.295C>T) is a nonsense variant that introduces a premature stop codon at amino acid position 99 and is predicted to result in a truncated or absent protein product. This variant has been observed in at least one proband with clinical features consistent with Fabry disease (PMID:7531540;10666480;39182239). The variant was found to segregate with disease in at least one affected family (PMID:39182239). Functional or patient cell studies have been reported (PMID:10666480;35722479). It is absent or not present at a significant frequency in gnomAD. In conclusion, we classify GLA p.Gln99Ter (c.295C>T) as a pathogenic variant.

Women's Health and Genetics/Laboratory Corporation of America, LabCorp
Classification: Pathogenic for Fabry disease. Last evaluated: 2025-10-16. Review status: criteria provided, single submitter. Criteria: LabCorp Variant Classification Summary - May 2015. Collection method: clinical testing. Allele origin: germline.
Comment: Variant summary: GLA c.295C>T (p.Gln99X) results in a premature termination codon, predicted to cause a truncation of the encoded protein or absence of the protein due to nonsense mediated decay, which are commonly known mechanisms for disease. The variant was absent in 183486 control chromosomes (gnomAD). c.295C>T has been observed in individuals affected with Fabry Disease (e.g. Eng_1994, Militaru_2019 [no PMID], Rusu_2022). Publications also reported decreased enzyme activities in patient derived samples (Topaloglu_1999, Rusu_2022). The following publications have been ascertained in the context of this evaluation (PMID: 7531540, 12359124, 10666480, 35884826). ClinVar contains an entry for this variant (Variation ID: 917640). Based on the evidence outlined above, the variant was classified as pathogenic.

Ambry Genetics
Classification: Pathogenic for Cardiovascular phenotype. Last evaluated: 2020-03-28. Review status: criteria provided, single submitter. Criteria: Ambry Variant Classification Scheme 2023. Collection method: clinical testing. Allele origin: germline.
Comment: The p.Q99* pathogenic mutation (also known as c.295C>T), located in coding exon 2 of the GLA gene, results from a C to T substitution at nucleotide position 295. This changes the amino acid from a glutamine to a stop codon within coding exon 2. This mutation has been reported in an individual with classic Fabry disease (Eng CM et al. Hum. Mol. Genet., 1994 Oct;3:1795-9). In addition to the clinical data presented in the literature, this alteration is expected to result in loss of function by premature protein truncation or nonsense-mediated mRNA decay. As such, this alteration is interpreted as a disease-causing mutation.

Literature cited by the submitters: PubMed 7531540 (cited by 3 submitters); PubMed 10666480 (cited by Genomenon, Inc and Women's Health and Genetics/Laboratory Corporation of America, LabCorp); PubMed 39182239 (cited by Genomenon, Inc); PubMed 35722479 (cited by Genomenon, Inc); PubMed 12359124 (cited by Women's Health and Genetics/Laboratory Corporation of America, LabCorp); PubMed 35884826 (cited by Women's Health and Genetics/Laboratory Corporation of America, LabCorp).

NM_000169.3(GLA):c.295C>T (p.Gln99Ter)

Genes: GLA (galactosidase alpha; minus strand), RPL36A-HNRNPH2 (RPL36A-HNRNPH2 readthrough; plus strand). Cytogenetic location: Xq22.1.
Variant type: single nucleotide variant.
Coding change: c.295C>T on transcript NM_000169.3 (MANE Select); coding-DNA position 295, C replaced by T.
Protein change: p.Gln99Ter; replaces glutamine 99 with a stop codon.
Molecular consequence: nonsense. On other transcripts: non-coding transcript variant (3), intron variant (2).
Genome position (GRCh38, 1-based): chrX:101,403,885, G>A on the plus strand (C>T on the coding strand, the complement: GLA is on the minus strand). VCF-style: chrX-101403885-G-A. GRCh37 (hg19) VCF-style: chrX-100658873-G-A.
Other names: c.418C>T, p.Gln140Ter (NM_001406747.1, NM_001406749.1); c.295C>T, p.Gln99Ter (NM_001406748.1); c.301-8051G>A (NM_001199973.2); c.178-8051G>A (NM_001199974.2); short protein forms Q99*, Q140*.
Identifiers: ClinVar variation 917640 (VCV000917640.6), dbSNP rs868937910, ClinGen allele CA413933532.